The following is an entry in ClinVar:

ClinVar aggregate classification (germline): Uncertain significance (1 of 4 stars; one submission).

gnomAD v4.1: 5 of 1,479,582 alleles (0.00034%); highest among the groups gnomAD compares: Non-Finnish European, 0.00045%; no homozygotes.

Submission:

Clinical Genomics Laboratory, Washington University in St. Louis
Classification: Uncertain significance. Last evaluated: 2025-06-18. Review status: criteria provided, single submitter. Criteria: ACMG Guidelines, 2015. Collection method: clinical testing. Allele origin: germline.
Comment: The CD47 c.5G>A (p.Trp2*) variant, to our knowledge, has not been reported in the medical literature. This variant is absent from the general population (gnomAD v.2.1.1), indicating it is not a common variant. This variant leads to a premature termination codon, which is predicted to lead to nonsense-mediated decay. Due to limited information, the clinical significance of this variant is uncertain.

NM_001777.4(CD47):c.5G>A (p.Trp2Ter)

Genes: CD47 (CD47 molecule; minus strand), LOC129937199 (ATAC-STARR-seq lymphoblastoid silent region 14591; plus strand). Cytogenetic location: 3q13.12.
Variant type: single nucleotide variant.
Coding change: c.5G>A on transcript NM_001777.4 (MANE Select); coding-DNA position 5, G replaced by A.
Protein change: p.Trp2Ter; replaces tryptophan 2 with a stop codon.
Molecular consequence: nonsense.
Genome position (GRCh38, 1-based): chr3:108,090,904, C>T on the plus strand (G>A on the coding strand, the complement: CD47 is on the minus strand). VCF-style: chr3-108090904-C-T. GRCh37 (hg19) VCF-style: chr3-107809751-C-T.
Other names: c.5G>A, p.Trp2Ter (NM_001382306.1, NM_198793.3); short protein forms W2*.
Identifiers: ClinVar variation 4279818 (VCV004279818.1).
Genomic context (GRCh38, chr3:108,090,904, plus strand): 5'-GGAGCGAGGAGCCACTCACCGCAGCACGCCGAGCCCAGCAACAGCGCCGCTACCAGGGGC[C>T]ACATCTCCGCGCCCGCCGCGGGGTCGCCGCCGCCGCCGCAGGTGTCCGGAGCAGCAGCCG-3'